The following is an entry in ClinVar:

NM_000540.3(RYR1):c.14711A>G (p.Asp4904Gly)

Gene: RYR1 (ryanodine receptor 1; plus strand). Cytogenetic location: 19q13.2.
Variant type: single nucleotide variant.
Coding change: c.14711A>G on transcript NM_000540.3 (MANE Select); coding-DNA position 14711, A replaced by G.
Protein change: p.Asp4904Gly; replaces aspartic acid 4904 with glycine.
Molecular consequence: missense variant.
Genome position (GRCh38, 1-based): chr19:38,585,007, A>G. VCF-style: chr19-38585007-A-G. GRCh37 (hg19) VCF-style: chr19-39075647-A-G.
Other names: c.14696A>G, p.Asp4899Gly (NM_001042723.2); short protein forms D4899G, D4904G.
Identifiers: ClinVar variation 3636254 (VCV003636254.2).
Genomic context (GRCh38, chr19:38,585,007, plus strand): 5'-ACCTGTTTCACATGTACGTGGGTGTCCGGGCTGGCGGAGGCATTGGGGACGAGATCGAGG[A>G]CCCCGCGGGTGACGAATACGAGCTCTACAGGGTGGTCTTCGACATCACCTTCTTCTTCTT-3'
Protein context (NP_000531.2, residues 4894-4914): AGGGIGDEIE[Asp4904Gly]PAGDEYELYR

ClinVar aggregate classification (germline): Uncertain significance (1 of 4 stars; one submission).

Conditions:
RYR1-related disorder. Also called: RYR1-related condition; RYR1-related disorders. Identifiers: MedGen CN239331.

Submission:

Labcorp Genetics (formerly Invitae), Labcorp
Classification: Uncertain significance for RYR1-related disorder. Last evaluated: 2025-04-18. Review status: criteria provided, single submitter. Criteria: Invitae Variant Classification Sherloc (09022015). Collection method: clinical testing. Allele origin: germline.
Comment: This sequence change replaces aspartic acid, which is acidic and polar, with glycine, which is neutral and non-polar, at codon 4904 of the RYR1 protein (p.Asp4904Gly). This variant is not present in population databases (gnomAD no frequency). This variant has not been reported in the literature in individuals affected with RYR1-related conditions. ClinVar contains an entry for this variant (Variation ID: 3636254). Invitae Evidence Modeling of protein sequence and biophysical properties (such as structural, functional, and spatial information, amino acid conservation, physicochemical variation, residue mobility, and thermodynamic stability) indicates that this missense variant is expected to disrupt RYR1 protein function with a positive predictive value of 80%. In summary, the available evidence is currently insufficient to determine the role of this variant in disease. Therefore, it has been classified as a Variant of Uncertain Significance.